The following is an entry in ClinVar:

ClinVar aggregate classification (germline): Uncertain significance. Review status: criteria provided, multiple submitters, no conflicts (2 of 4 stars). 2 submissions from 2 submitters: Uncertain significance (2). Last evaluated 2026-08-08.

Conditions:
Cardiovascular phenotype. Identifiers: MedGen CN230736.

Submissions (2):

Ambry Genetics
Classification: Uncertain significance for Cardiovascular phenotype. Last evaluated: 2026-08-08. Review status: criteria provided, single submitter. Criteria: Ambry Variant Classification Scheme 2023. Collection method: clinical testing. Allele origin: germline.
Comment: The p.S338N variant (also known as c.1013G>A), located in coding exon 3 of the APOA5 gene, results from a G to A substitution at nucleotide position 1013. The serine at codon 338 is replaced by asparagine, an amino acid with highly similar properties. This amino acid position is conserved. In addition, this alteration is predicted to be tolerated by in silico analysis. Based on the available evidence, the clinical significance of this variant remains unclear.

Labcorp Genetics (formerly Invitae), Labcorp
Classification: Uncertain significance. Last evaluated: 2025-08-01. Review status: criteria provided, single submitter. Criteria: Invitae Variant Classification Sherloc (09022015). Collection method: clinical testing. Allele origin: germline.
Comment: This sequence change replaces serine, which is neutral and polar, with asparagine, which is neutral and polar, at codon 338 of the APOA5 protein (p.Ser338Asn). This variant is not present in population databases (gnomAD no frequency). This variant has not been reported in the literature in individuals affected with APOA5-related conditions. An algorithm developed to predict the effect of missense changes on protein structure and function outputs the following: PolyPhen-2: "Benign". The asparagine amino acid residue is found in multiple mammalian species, which suggests that this missense change does not adversely affect protein function. In summary, the available evidence is currently insufficient to determine the role of this variant in disease. Therefore, it has been classified as a Variant of Uncertain Significance.

NM_001371904.1(APOA5):c.1013G>A (p.Ser338Asn)

Gene: APOA5 (apolipoprotein A5; minus strand). Cytogenetic location: 11q23.3.
Variant type: single nucleotide variant.
Coding change: c.1013G>A on transcript NM_001371904.1 (MANE Select); coding-DNA position 1013, G replaced by A.
Protein change: p.Ser338Asn; replaces serine 338 with asparagine.
Molecular consequence: missense variant.
Genome position (GRCh38, 1-based): chr11:116,790,216, C>T on the plus strand (G>A on the coding strand, the complement: APOA5 is on the minus strand). VCF-style: chr11-116790216-C-T. GRCh37 (hg19) VCF-style: chr11-116660932-C-T.
Other names: c.1013G>A, p.Ser338Asn (NM_001166598.2, NM_052968.5); c.1013G>A (NM_052968.4); short protein forms S338N.
Identifiers: ClinVar variation 4704356 (VCV004704356.2).